The following is an entry in ClinVar:

NM_001510.4(GRID2):c.876G>C (p.Gln292His)

Gene: GRID2 (glutamate ionotropic receptor delta type subunit 2; plus strand). Cytogenetic location: 4q22.2.
Variant type: single nucleotide variant.
Coding change: c.876G>C on transcript NM_001510.4 (MANE Select); coding-DNA position 876, G replaced by C.
Protein change: p.Gln292His; replaces glutamine 292 with histidine.
Molecular consequence: missense variant.
Genome position (GRCh38, 1-based): chr4:93,216,824, G>C. VCF-style: chr4-93216824-G-C. GRCh37 (hg19) VCF-style: chr4-94137975-G-C.
Other names: c.591G>C, p.Gln197His (NM_001286838.1); c.876G>C (NM_001510.2); short protein forms Q292H, Q197H.
Identifiers: ClinVar variation 500424 (VCV000500424.8), dbSNP rs191365734, ClinGen allele CA3012104.
Genomic context (GRCh38, chr4:93,216,824, plus strand): 5'-ACTTGTAAGAAGGTCAATTGGAAGGTTAACGATTATTCGGCAGACATTTCCAGTTCCCCA[G>C]AACATAAGTCAGCGGTGTTTCCGTGGCAACCATCGAATATCTTCAACATTGTGTGATCCA-3'
Protein context (NP_001501.2, residues 282-302): TIIRQTFPVP[Gln292His]NISQRCFRGN

ClinVar aggregate classification (germline): Uncertain significance. Review status: criteria provided, multiple submitters, no conflicts (2 of 4 stars). 3 submissions from 3 submitters: Uncertain significance (3). Last evaluated 2025-11-04.

Conditions:
Inborn genetic diseases. Identifiers: MedGen C0950123, MeSH D030342.

Allele frequency attached by ClinVar (database versions not stated): gnomAD exomes 0.00001 and 0.00002; ExAC 0.00002; TOPMed 0.00006; gnomAD 0.00007; 1000 Genomes Project 30x 0.00016; 1000 Genomes Project 0.00020.
gnomAD v4.1: 22 of 1,613,062 alleles (0.0014%); highest among the groups gnomAD compares: African/African-American, 0.024%; no homozygotes.

Submissions (3):

Labcorp Genetics (formerly Invitae), Labcorp
Classification: Uncertain significance. Last evaluated: 2025-11-04. Review status: criteria provided, single submitter. Criteria: Invitae Variant Classification Sherloc (09022015). Collection method: clinical testing. Allele origin: germline.
Comment: This sequence change replaces glutamine, which is neutral and polar, with histidine, which is basic and polar, at codon 292 of the GRID2 protein (p.Gln292His). This variant is present in population databases (rs191365734, gnomAD 0.04%). This variant has not been reported in the literature in individuals affected with GRID2-related conditions. ClinVar contains an entry for this variant (Variation ID: 500424). Invitae Evidence Modeling of protein sequence and biophysical properties (such as structural, functional, and spatial information, amino acid conservation, physicochemical variation, residue mobility, and thermodynamic stability) indicates that this missense variant is not expected to disrupt GRID2 protein function with a negative predictive value of 80%. In summary, the available evidence is currently insufficient to determine the role of this variant in disease. Therefore, it has been classified as a Variant of Uncertain Significance.

Ambry Genetics
Classification: Uncertain significance for Inborn genetic diseases. Last evaluated: 2022-06-09. Review status: criteria provided, single submitter. Criteria: Ambry Variant Classification Scheme 2023. Collection method: clinical testing. Allele origin: germline.

Eurofins Ntd Llc (ga)
Classification: Uncertain significance. Last evaluated: 2017-02-15. Review status: criteria provided, single submitter. Criteria: EGL Classification Definitions 2015. Collection method: clinical testing. Allele origin: germline. Observed: 1 variant allele, 1 heterozygote.